The following is an entry in ClinVar:

NM_000146.4(FTL):c.-193C>G

Gene: FTL (ferritin light chain; plus strand). Cytogenetic location: 19q13.33.
Variant type: single nucleotide variant.
Coding change: c.-193C>G on transcript NM_000146.4 (MANE Select); 193 bases upstream of the start codon, C replaced by G.
Molecular consequence: 5 prime UTR variant.
Genome position (GRCh38, 1-based): chr19:48,965,315, C>G. VCF-style: chr19-48965315-C-G. GRCh37 (hg19) VCF-style: chr19-49468572-C-G.
Identifiers: ClinVar variation 1520210 (VCV001520210.6), dbSNP rs2038437773, ClinGen allele CA2340161139.
Genomic context (GRCh38, chr19:48,965,315, plus strand): 5'-CTGCCTCCGAGGGCCGGCGCACCATAAAAGAAGCCGCCCTAGCCACGTCCCCTCGCAGTT[C>G]GGCGGTCCCGCGGGTCTGTCTCTTGCTTCAACAGTGTTTGGACGGAACAGATCCGGGGAC-3'

ClinVar aggregate classification (germline): Uncertain significance (1 of 4 stars; one submission).

Conditions:
Hereditary hyperferritinemia with congenital cataracts. Also called: Hereditary hyperferritinemia cataract syndrome; Bonneau-Beaumont syndrome; HYPERFERRITINEMIA WITH OR WITHOUT CATARACT. Identifiers: Orphanet 163, MedGen C1833213, MONDO:0010952, OMIM 600886.
Neuroferritinopathy (NBIA3). Also called: BASAL GANGLIA DISEASE, ADULT-ONSET; NEURODEGENERATION WITH BRAIN IRON ACCUMULATION 3. Identifiers: Orphanet 157846, MedGen C1853578, MONDO:0011638, OMIM 606159.

Allele frequency attached by ClinVar (database versions not stated): gnomAD 0.00001.
gnomAD v4.1: 5 of 616,228 alleles (0.00081%); highest among the groups gnomAD compares: South Asian, 0.0017%; no homozygotes.

Submission:

Labcorp Genetics (formerly Invitae), Labcorp
Classification: Uncertain significance for Neuroferritinopathy; Hereditary hyperferritinemia with congenital cataracts. Last evaluated: 2025-01-14. Review status: criteria provided, single submitter. Criteria: Invitae Variant Classification Sherloc (09022015). Collection method: clinical testing. Allele origin: germline.
Comment: This variant occurs in a non-coding region of the FTL gene. It does not change the encoded amino acid sequence of the FTL protein. This variant is not present in population databases (gnomAD no frequency). This variant has not been reported in the literature in individuals affected with FTL-related conditions. ClinVar contains an entry for this variant (Variation ID: 1520210). Experimental studies and prediction algorithms are not available or were not evaluated, and the functional significance of this variant is currently unknown. In summary, the available evidence is currently insufficient to determine the role of this variant in disease. Therefore, it has been classified as a Variant of Uncertain Significance.